The following is an entry in ClinVar:

NM_015202.5(KATNIP):c.2914C>A (p.Pro972Thr)

Gene: KATNIP (katanin interacting protein; plus strand). Cytogenetic location: 16p12.1.
Variant type: single nucleotide variant.
Coding change: c.2914C>A on transcript NM_015202.5 (MANE Select); coding-DNA position 2914, C replaced by A.
Protein change: p.Pro972Thr; replaces proline 972 with threonine.
Molecular consequence: missense variant.
Genome position (GRCh38, 1-based): chr16:27,749,874, C>A. VCF-style: chr16-27749874-C-A. GRCh37 (hg19) VCF-style: chr16-27761195-C-A.
Other names: short protein forms P972T.
Identifiers: ClinVar variation 2443383 (VCV002443383.4), dbSNP rs1245824749, ClinGen allele CA395325310.

ClinVar aggregate classification (germline): Likely pathogenic (1 of 4 stars; one submission).

Allele frequency attached by ClinVar (database versions not stated): gnomAD exomes below 0.00001; TOPMed below 0.00001; gnomAD 0.00001.

Submission:

GeneDx
Classification: Likely pathogenic. Last evaluated: 2024-10-31. Review status: criteria provided, single submitter. Criteria: GeneDx Variant Classification Process June 2021. Collection method: clinical testing. Allele origin: germline. Affected: yes.
Comment: Not observed at significant frequency in large population cohorts (gnomAD); In silico analysis supports that this missense variant has a deleterious effect on protein structure/function; Has not been previously published as pathogenic or benign to our knowledge